The following is an entry in ClinVar:

NM_000204.5(CFI):c.1222G>A (p.Val408Ile)

Gene: CFI (complement factor I; minus strand). Cytogenetic location: 4q25.
Variant type: single nucleotide variant.
Coding change: c.1222G>A on transcript NM_000204.5 (MANE Select); coding-DNA position 1222, G replaced by A.
Protein change: p.Val408Ile; replaces valine 408 with isoleucine.
Molecular consequence: missense variant. On other transcripts: non-coding transcript variant (2).
Genome position (GRCh38, 1-based): chr4:109,746,429, C>T on the plus strand (G>A on the coding strand, the complement: CFI is on the minus strand). VCF-style: chr4-109746429-C-T. GRCh37 (hg19) VCF-style: chr4-110667585-C-T.
Other names: c.1246G>A, p.Val416Ile (NM_001318057.2, NM_001375278.1); c.1201G>A, p.Val401Ile (NM_001331035.2, NM_001375280.1, NM_001375282.1); c.1222G>A, p.Val408Ile (NM_001375279.1, NM_001375281.1); c.1165G>A, p.Val389Ile (NM_001375283.1); c.613G>A, p.Val205Ile (NM_001375284.1); short protein forms V205I, V389I, V401I, V408I, V416I.
Identifiers: ClinVar variation 1162965 (VCV001162965.11), dbSNP rs889240004, ClinGen allele CA103689501.

ClinVar aggregate classification (germline): Uncertain significance. Review status: criteria provided, multiple submitters, no conflicts (2 of 4 stars). 2 submissions from 2 submitters: Uncertain significance (2). Last evaluated 2024-09-14.

Allele frequency attached by ClinVar (database versions not stated): gnomAD exomes below 0.00001; gnomAD 0.00001; TOPMed 0.00001.
gnomAD v4.1: 4 of 1,613,204 alleles (0.00025%); highest among the groups gnomAD compares: African/African-American, 0.0053%; no homozygotes.

Submissions (2):

Labcorp Genetics (formerly Invitae), Labcorp
Classification: Uncertain significance. Last evaluated: 2024-09-14. Review status: criteria provided, single submitter. Criteria: Invitae Variant Classification Sherloc (09022015). Collection method: clinical testing. Allele origin: germline.
Comment: This sequence change replaces valine, which is neutral and non-polar, with isoleucine, which is neutral and non-polar, at codon 408 of the CFI protein (p.Val408Ile). This variant is not present in population databases (gnomAD no frequency). This variant has not been reported in the literature in individuals affected with CFI-related conditions. ClinVar contains an entry for this variant (Variation ID: 1162965). Invitae Evidence Modeling of protein sequence and biophysical properties (such as structural, functional, and spatial information, amino acid conservation, physicochemical variation, residue mobility, and thermodynamic stability) indicates that this missense variant is not expected to disrupt CFI protein function with a negative predictive value of 80%. In summary, the available evidence is currently insufficient to determine the role of this variant in disease. Therefore, it has been classified as a Variant of Uncertain Significance.

Mayo Clinic Laboratories, Mayo Clinic
Classification: Uncertain significance. Last evaluated: 2023-02-09. Review status: criteria provided, single submitter. Criteria: ACMG Guidelines, 2015. Collection method: clinical testing. Allele origin: germline. Observed: 2 variant alleles.
Comment: PM2_supporting